The following is an entry in ClinVar:

NM_002470.4(MYH3):c.983A>C (p.Glu328Ala)

Gene: MYH3 (myosin heavy chain 3; minus strand). Cytogenetic location: 17p13.1.
Variant type: single nucleotide variant.
Coding change: c.983A>C on transcript NM_002470.4 (MANE Select); coding-DNA position 983, A replaced by C.
Protein change: p.Glu328Ala; replaces glutamic acid 328 with alanine.
Molecular consequence: missense variant.
Genome position (GRCh38, 1-based): chr17:10,645,948, T>G on the plus strand (A>C on the coding strand, the complement: MYH3 is on the minus strand). VCF-style: chr17-10645948-T-G. GRCh37 (hg19) VCF-style: chr17-10549265-T-G.
Other names: short protein forms E328A.
Identifiers: ClinVar variation 2764460 (VCV002764460.3), dbSNP rs2508626961, ClinGen allele CA398177131.
Genomic context (GRCh38, chr17:10,645,948, plus strand): 5'-ATGGAGGAGGAACACCCACCCCTTCTGTTGGTTCCACTTACGTCTGTAGCCAGCAGCTCC[T>G]CTGCATCATCTATGCTGGCCACCAGGATCTCCCCCTGGCTAATGAACGGGTAGTCGTAAG-3'
Protein context (NP_002461.2, residues 318-338): EILVASIDDA[Glu328Ala]ELLATDSAID

ClinVar aggregate classification (germline): Uncertain significance (1 of 4 stars; one submission).

Allele frequency attached by ClinVar (database versions not stated): gnomAD exomes below 0.00001.
gnomAD v4.1: 1 of 1,613,962 alleles (0.000062%); highest among the groups gnomAD compares: Non-Finnish European, 0.000085%; no homozygotes.

Submission:

Labcorp Genetics (formerly Invitae), Labcorp
Classification: Uncertain significance. Last evaluated: 2023-09-29. Review status: criteria provided, single submitter. Criteria: Invitae Variant Classification Sherloc (09022015). Collection method: clinical testing. Allele origin: germline.
Comment: In summary, the available evidence is currently insufficient to determine the role of this variant in disease. Therefore, it has been classified as a Variant of Uncertain Significance. Advanced modeling of protein sequence and biophysical properties (such as structural, functional, and spatial information, amino acid conservation, physicochemical variation, residue mobility, and thermodynamic stability) performed at Invitae indicates that this missense variant is not expected to disrupt MYH3 protein function. This variant has not been reported in the literature in individuals affected with MYH3-related conditions. This variant is not present in population databases (gnomAD no frequency). This sequence change replaces glutamic acid, which is acidic and polar, with alanine, which is neutral and non-polar, at codon 328 of the MYH3 protein (p.Glu328Ala).